The following is an entry in ClinVar:

ClinVar aggregate classification (germline): Uncertain significance. Review status: criteria provided, multiple submitters, no conflicts (2 of 4 stars). 2 submissions from 2 submitters: Uncertain significance (2). Last evaluated 2024-11-04.

Conditions:
Hypertrophic cardiomyopathy 26. Also called: Cardiomyopathy, familial hypertrophic, 26. Identifiers: Orphanet 75249, MedGen C4310749, MONDO:0014883, OMIM 617047.
Distal myopathy with posterior leg and anterior hand involvement. Also called: WILLIAMS DISTAL MYOPATHY. Identifiers: Orphanet 63273, MedGen C3279722, MONDO:0013550, OMIM 614065.
Myofibrillar myopathy 5. Also called: Filaminopathy (type); FILAMINOPATHY, AUTOSOMAL DOMINANT. Identifiers: Orphanet 171445, MedGen C1836050, MONDO:0012289, OMIM 609524.
Hypertrophic cardiomyopathy. Also called: HYPERTROPHIC MYOCARDIOPATHY. Identifiers: Orphanet 217569, MedGen C0007194, MeSH D002312, MONDO:0005045, HP:0001639.

gnomAD v4.1: 1 of 1,613,816 alleles (0.000062%); highest among the groups gnomAD compares: South Asian, 0.0011%; no homozygotes.

Submissions (2):

Molecular Genetics, Royal Melbourne Hospital
Classification: Uncertain significance for Hypertrophic cardiomyopathy. Last evaluated: 2024-11-04. Review status: criteria provided, single submitter. Criteria: ACMG Guidelines, 2015. Collection method: clinical testing. Allele origin: germline. Inheritance: Autosomal dominant inheritance. Affected: yes.
Comment: This sequence change is a synonymous (silent) variant in exon 24 of FLNC. The results from an in silico splicing predictor (SpliceAI) indicate that this variant may impact splicing by activating a cryptic acceptor splice site in intron 23. RNA assays have not been conducted to confirm this prediction. This variant is present in a single South Asian individual in the population database gnomAD v4.1 (1/91,084 alleles), consistent with hypertrophic cardiomyopathy. To our knowledge, this variant has not been previously reported in the relevant scientific literature or databases. Based on the classification scheme RMH Modified ACMG/AMP Guidelines v1.7.0, this variant is classified as a VARIANT OF UNCERTAIN SIGNIFICANCE. Following criteria are met: PM2_Supporting, PP3.

Labcorp Genetics (formerly Invitae), Labcorp
Classification: Uncertain significance for Distal myopathy with posterior leg and anterior hand involvement; Myofibrillar myopathy 5; Hypertrophic cardiomyopathy 26. Last evaluated: 2024-08-18. Review status: criteria provided, single submitter. Criteria: Invitae Variant Classification Sherloc (09022015). Collection method: clinical testing. Allele origin: germline.
Comment: This sequence change affects codon 1376 of the FLNC mRNA. It is a 'silent' change, meaning that it does not change the encoded amino acid sequence of the FLNC protein. It affects a nucleotide within the consensus splice site. This variant is present in population databases (rs749167386, gnomAD 0.007%). This variant has not been reported in the literature in individuals affected with FLNC-related conditions. Algorithms developed to predict the effect of sequence changes on RNA splicing suggest that this variant is not likely to affect RNA splicing. In summary, the available evidence is currently insufficient to determine the role of this variant in disease. Therefore, it has been classified as a Variant of Uncertain Significance.

NM_001458.5(FLNC):c.4128G>A (p.Arg1376=)

Gene: FLNC (filamin C; plus strand). Cytogenetic location: 7q32.1.
Variant type: single nucleotide variant.
Coding change: c.4128G>A on transcript NM_001458.5 (MANE Select); coding-DNA position 4128, G replaced by A.
Protein change: p.Arg1376=; no amino-acid change (arginine 1376 retained).
Molecular consequence: synonymous variant.
Genome position (GRCh38, 1-based): chr7:128,846,745, G>A. VCF-style: chr7-128846745-G-A. GRCh37 (hg19) VCF-style: chr7-128486799-G-A.
Other names: c.4128G>A, p.Arg1376= (NM_001127487.2).
Identifiers: ClinVar variation 3761217 (VCV003761217.3).